The following is an entry in ClinVar:

NM_003184.4(TAF2):c.3234A>G (p.Pro1078=)

Gene: TAF2 (TATA-box binding protein associated factor 2; minus strand). Cytogenetic location: 8q24.12.
Variant type: single nucleotide variant.
Coding change: c.3234A>G on transcript NM_003184.4 (MANE Select); coding-DNA position 3234, A replaced by G.
Protein change: p.Pro1078=; no amino-acid change (proline 1078 retained).
Molecular consequence: synonymous variant.
Genome position (GRCh38, 1-based): chr8:119,742,637, T>C on the plus strand (A>G on the coding strand, the complement: TAF2 is on the minus strand). VCF-style: chr8-119742637-T-C. GRCh37 (hg19) VCF-style: chr8-120754877-T-C.
Other names: c.3390A>G, p.Pro1130= (NM_001437338.1); c.3123A>G, p.Pro1041= (NM_001437339.1); c.3279A>G, p.Pro1093= (NM_001438084.1).
Identifiers: ClinVar variation 4822370 (VCV004822370.4).
Genomic context (GRCh38, chr8:119,742,637, plus strand): 5'-GGTGGGTGTGCTGTCACAGCCTGCTGAGTGCTGGGGTATTAAAGCAGATCGGGAGCTAGC[T>C]GGCCGATATTTCGAGAGCCCTAAAATGCCAAACAAGAGAAAAAAGAGGGATTTATTTCTT-3'
Protein context (NP_003175.2, residues 1068-1088): PSTPGLSKYR[Pro1078=]ASSRSALIPQ

ClinVar aggregate classification (germline): Likely benign (1 of 4 stars; one submission).

gnomAD v4.1: 8 of 1,613,832 alleles (0.0005%); highest among the groups gnomAD compares: Non-Finnish European, 0.00068%; no homozygotes.

Submission:

CeGaT Center for Human Genetics Tuebingen
Classification: Likely benign. Last evaluated: 2026-01-01. Review status: criteria provided, single submitter. Criteria: CeGaT Center For Human Genetics Tuebingen Variant Classification Criteria Version 2. Collection method: clinical testing. Allele origin: germline. Affected: yes. Observed: 1 variant allele.
Comment: TAF2: BP4, BP7